The following is an entry in ClinVar:

ClinVar aggregate classification (germline): Conflicting classifications of pathogenicity. Review status: criteria provided, conflicting classifications (1 of 4 stars). 5 submissions from 5 submitters: Uncertain significance (1); Likely benign (3). 1 of the submissions does not count toward it. Last evaluated 2026-04-09.

Conditions:
CHD7-related disorder. Also called: CHD7-related condition.
Inborn genetic diseases. Identifiers: MedGen C0950123, MeSH D030342.
Hypogonadotropic hypogonadism 5 with or without anosmia (KAL5). Also called: HYPOGONADOTROPIC HYPOGONADISM 5 WITH ANOSMIA; HYPOGONADOTROPHIC HYPOGONADISM 5 WITHOUT ANOSMIA; CHD7-Related GnRH Deficiency (Kallmann Syndrome 5). Identifiers: Orphanet 478, MedGen C3552553, MONDO:0012880, OMIM 612370. Disease mechanism: loss of function.
CHARGE syndrome (CHARGE). Also called: CHARGE ASSOCIATION--COLOBOMA, HEART ANOMALY, CHOANAL ATRESIA, RETARDATION, GENITAL AND EAR ANOMALIES; Coloboma, heart anomaly, choanal atresia, retardation, genital and ear anomalies; CHARGE association; Hall-Hittner syndrome; Hittner Hirsch Kreh syndrome. Identifiers: Orphanet 138, MedGen C0265354, MONDO:0008965.

Allele frequency attached by ClinVar (database versions not stated): gnomAD exomes 0.00003 and 0.00005; gnomAD 0.00005 and 0.00006; TOPMed 0.00006; ExAC 0.00008.
gnomAD v4.1: 49 of 1,554,878 alleles (0.0032%); highest among the groups gnomAD compares: African/African-American, 0.0096%; no homozygotes.

Submissions (5):

Ambry Genetics
Classification: Likely benign for Inborn genetic diseases. Last evaluated: 2026-04-09. Review status: criteria provided, single submitter. Criteria: Ambry Variant Classification Scheme 2023. Collection method: clinical testing. Allele origin: germline.

Labcorp Genetics (formerly Invitae), Labcorp
Classification: Likely benign for CHARGE syndrome. Last evaluated: 2025-11-25. Review status: criteria provided, single submitter. Criteria: Invitae Variant Classification Sherloc (09022015). Collection method: clinical testing. Allele origin: germline.

GeneDx
Classification: Likely benign. Last evaluated: 2021-01-12. Review status: criteria provided, single submitter. Criteria: GeneDx Variant Classification Process June 2021. Collection method: clinical testing. Allele origin: germline. Affected: yes.
Comment: In silico analysis supports that this missense variant does not alter protein structure/function; Has not been previously published as pathogenic or benign to our knowledge

Illumina Laboratory Services, Illumina
Classification: Uncertain significance for Kallmann Syndrome 5. Last evaluated: 2018-05-17. Review status: criteria provided, single submitter. Criteria: ICSL Variant Classification Criteria 13 December 2019. Collection method: clinical testing. Allele origin: germline.

PreventionGenetics, part of Exact Sciences
Classification: Likely benign for CHD7-related condition. Last evaluated: 2022-03-15. Review status: no assertion criteria provided. Collection method: clinical testing. Allele origin: germline. Not counted in ClinVar's aggregate classification.
Comment: This variant is classified as likely benign based on ACMG/AMP sequence variant interpretation guidelines (Richards et al. 2015 PMID: 25741868, with internal and published modifications).

NM_017780.4(CHD7):c.7589A>G (p.Lys2530Arg)

Gene: CHD7 (chromodomain helicase DNA binding protein 7; plus strand). Cytogenetic location: 8q12.2.
Variant type: single nucleotide variant.
Coding change: c.7589A>G on transcript NM_017780.4 (MANE Select); coding-DNA position 7589, A replaced by G.
Protein change: p.Lys2530Arg; replaces lysine 2530 with arginine.
Molecular consequence: missense variant. On other transcripts: intron variant (1).
Genome position (GRCh38, 1-based): chr8:60,856,869, A>G. VCF-style: chr8-60856869-A-G. GRCh37 (hg19) VCF-style: chr8-61769428-A-G.
Other names: c.1717-5360A>G (NM_001316690.1); short protein forms K2530R.
Identifiers: ClinVar variation 910662 (VCV000910662.19), dbSNP rs777303307, ClinGen allele CA4760835.
Genomic context (GRCh38, chr8:60,856,869, plus strand): 5'-AGAGGAGGCGGGGAAGGAGGAAAAATGTGGAGGGACTTGATCTGCTTTTCATGAGCCACA[A>G]ACGGACGTCATTGAGTGCAGTAAGTTGGGGAGCTTGCCTGCATGGCGATTGCACGTGTTG-3'
Protein context (NP_060250.2, residues 2520-2540): EGLDLLFMSH[Lys2530Arg]RTSLSAEDAE